The following is an entry in ClinVar:

ClinVar aggregate classification (germline): Likely benign (1 of 4 stars; one submission).

Submission:

CeGaT Center for Human Genetics Tuebingen
Classification: Likely benign. Last evaluated: 2024-11-01. Review status: criteria provided, single submitter. Criteria: CeGaT Center For Human Genetics Tuebingen Variant Classification Criteria Version 2. Collection method: clinical testing. Allele origin: germline. Affected: yes. Observed: 1 variant allele.
Comment: POLRMT: PM2:Supporting, BP4, BP7

NM_005035.4(POLRMT):c.1044G>A (p.Leu348=)

Gene: POLRMT (RNA polymerase mitochondrial; minus strand). Cytogenetic location: 19p13.3.
Variant type: single nucleotide variant.
Coding change: c.1044G>A on transcript NM_005035.4 (MANE Select); coding-DNA position 1044, G replaced by A.
Protein change: p.Leu348=; no amino-acid change (leucine 348 retained).
Molecular consequence: synonymous variant. On other transcripts: non-coding transcript variant (1).
Genome position (GRCh38, 1-based): chr19:624,815, C>T on the plus strand (G>A on the coding strand, the complement: POLRMT is on the minus strand). VCF-style: chr19-624815-C-T. GRCh37 (hg19) VCF-style: chr19-624815-C-T.
Other names: c.1044G>A, p.Leu348= (NM_001407805.1, NM_001407806.1, NM_001407807.1 and 10 more transcripts); c.1002G>A, p.Leu334= (NM_001407811.1, NM_001407813.1); c.720G>A, p.Leu240= (NM_001407831.1, NM_001407833.1, NM_001407834.1 and 2 more transcripts).
Identifiers: ClinVar variation 3390058 (VCV003390058.14).